The following is an entry in ClinVar:

ClinVar aggregate classification (germline): Conflicting classifications of pathogenicity. Review status: criteria provided, conflicting classifications (1 of 4 stars). 4 submissions from 4 submitters: Likely pathogenic (1); Uncertain significance (3). Last evaluated 2026-02-01.

Conditions:
Tip-toe gait. Also called: Toe walking. Identifiers: MedGen C0427144, HP:0030051.

Allele frequency attached by ClinVar (database versions not stated): ExAC 0.00002; gnomAD exomes 0.00003; gnomAD 0.00007; ESP Exome Variant Server 0.00008; TOPMed 0.00012.
gnomAD v4.1: 65 of 1,613,992 alleles (0.004%); highest among the groups gnomAD compares: Admixed American, 0.01%; no homozygotes.

Submissions (4):

Labcorp Genetics (formerly Invitae), Labcorp
Classification: Uncertain significance. Last evaluated: 2026-02-01. Review status: criteria provided, single submitter. Criteria: Invitae Variant Classification Sherloc (09022015). Collection method: clinical testing. Allele origin: germline.
Comment: This sequence change replaces proline, which is neutral and non-polar, with serine, which is neutral and polar, at codon 1524 of the SBF1 protein (p.Pro1524Ser). This variant is present in population databases (rs372797638, gnomAD 0.004%). This variant has not been reported in the literature in individuals affected with SBF1-related conditions. ClinVar contains an entry for this variant (Variation ID: 2184723). Invitae Evidence Modeling of protein sequence and biophysical properties (such as structural, functional, and spatial information, amino acid conservation, physicochemical variation, residue mobility, and thermodynamic stability) indicates that this missense variant is expected to disrupt SBF1 protein function with a positive predictive value of 80%. In summary, the available evidence is currently insufficient to determine the role of this variant in disease. Therefore, it has been classified as a Variant of Uncertain Significance.

Blueprint Genetics
Classification: Uncertain significance. Last evaluated: 2024-10-30. Review status: criteria provided, single submitter. Criteria: ACMG Guidelines, 2015. Collection method: clinical testing. Allele origin: germline.

Practice for Gait Abnormalities, David Pomarino, Competency Network Toe Walking C/o Practice Pomarino
Classification: Likely pathogenic for Tip-toe gait. Last evaluated: 2021-11-04. Review status: criteria provided, single submitter. Criteria: Pomarino et al. (Glob Med Genet. 2026). Collection method: clinical testing. Allele origin: germline. Affected: yes.

Ambry Genetics
Classification: Uncertain significance. Last evaluated: 2021-10-13. Review status: criteria provided, single submitter. Criteria: Ambry Variant Classification Scheme 2023. Collection method: clinical testing. Allele origin: germline.

NM_002972.4(SBF1):c.4570C>T (p.Pro1524Ser)

Gene: SBF1 (SET binding factor 1; minus strand). Cytogenetic location: 22q13.33.
Variant type: single nucleotide variant.
Coding change: c.4570C>T on transcript NM_002972.4 (MANE Select); coding-DNA position 4570, C replaced by T.
Protein change: p.Pro1524Ser; replaces proline 1524 with serine.
Molecular consequence: missense variant.
Genome position (GRCh38, 1-based): chr22:50,455,127, G>A on the plus strand (C>T on the coding strand, the complement: SBF1 is on the minus strand). VCF-style: chr22-50455127-G-A. GRCh37 (hg19) VCF-style: chr22-50893556-G-A.
Other names: c.4570C>T (NM_002972.2, NM_002972.3); c.4495C>T, p.Pro1499Ser (NM_001365819.1); c.4573C>T, p.Pro1525Ser (NM_001410794.1); c.4492C>T, p.Pro1498Ser (NM_001410795.1); c.4570C>T, p.Pro1524Ser (NM_197971.1); short protein forms P1498S, P1499S, P1524S, P1525S.
Identifiers: ClinVar variation 2184723 (VCV002184723.5), dbSNP rs372797638, ClinGen allele CA10316201.